The following is an entry in ClinVar:

NM_007294.4(BRCA1):c.3510T>G (p.Ile1170Met)

Genes: BRCA1 (BRCA1 DNA repair associated; minus strand), LOC126862571 (BRD4-independent group 4 enhancer GRCh37_chr17:41243136-41244335; plus strand). Cytogenetic location: 17q21.31.
Variant type: single nucleotide variant.
Coding change: c.3510T>G on transcript NM_007294.4 (MANE Select); coding-DNA position 3510, T replaced by G.
Protein change: p.Ile1170Met; replaces isoleucine 1170 with methionine.
Molecular consequence: missense variant. On other transcripts: intron variant (135).
Genome position (GRCh38, 1-based): chr17:43,092,021, A>C on the plus strand (T>G on the coding strand, the complement: BRCA1 is on the minus strand). VCF-style: chr17-43092021-A-C. GRCh37 (hg19) VCF-style: chr17-41244038-A-C.
Other names: c.3297T>G, p.Ile1099Met (NM_001407571.1, NM_001407853.1, NM_001407894.1 and 9 more transcripts); c.3510T>G, p.Ile1170Met (NM_001407581.1, NM_001407582.1, NM_001407583.1 and 30 more transcripts); c.3507T>G, p.Ile1169Met (NM_001407587.1, NM_001407590.1, NM_001407591.1 and 22 more transcripts); c.3501T>G, p.Ile1167Met (NM_001407646.1, NM_001407647.1); c.3387T>G, p.Ile1129Met (NM_001407648.1, NM_001407664.1, NM_001407665.1 and 19 more transcripts); c.3384T>G, p.Ile1128Met (NM_001407649.1, NM_001407670.1, NM_001407671.1 and 11 more transcripts); c.3432T>G, p.Ile1144Met (NM_001407653.1, NM_001407654.1, NM_001407655.1 and 4 more transcripts); c.3429T>G, p.Ile1143Met (NM_001407659.1, NM_001407660.1, NM_001407661.1 and 1 more transcripts); and 41 more; short protein forms I1123M, I1170M, I1042M, I1058M, I1059M, I1081M, I1122M, I1144M.
Identifiers: ClinVar variation 650534 (VCV000650534.13), dbSNP rs183119644, ClinGen allele CA059416.

ClinVar aggregate classification (germline): Conflicting classifications of pathogenicity. Review status: criteria provided, conflicting classifications (1 of 4 stars). 4 submissions from 4 submitters: Uncertain significance (3); Likely benign (1). Last evaluated 2025-10-06.

Conditions:
Hereditary breast ovarian cancer syndrome. Also called: Breast and ovarian cancer; BRCA1- and BRCA2-Associated Hereditary Breast and Ovarian Cancer; Hereditary breast and ovarian cancer; Hereditary breast and ovarian cancer syndrome (HBOC); Hereditary breast and/or ovarian cancer syndrome; Hereditary breast and ovarian cancer syndrome. Identifiers: Orphanet 145, MedGen C0677776, MeSH D061325, MONDO:0003582. Disease mechanism: loss of function.
Hereditary cancer-predisposing syndrome. Also called: Neoplastic Syndromes, Hereditary; Tumor predisposition; Hereditary Cancer Syndrome; Hereditary neoplastic syndrome. Identifiers: Orphanet 140162, MedGen C0027672, MeSH D009386, MONDO:0015356.

Allele frequency attached by ClinVar (database versions not stated): gnomAD exomes below 0.00001; ExAC 0.00001; gnomAD 0.00001; 1000 Genomes Project 30x 0.00016; 1000 Genomes Project 0.00020.
gnomAD v4.1: 4 of 1,614,034 alleles (0.00025%); highest among the groups gnomAD compares: Non-Finnish European, 0.00034%; no homozygotes.

Submissions (4):

Ambry Genetics
Classification: Uncertain significance for Hereditary cancer-predisposing syndrome. Last evaluated: 2025-10-06. Review status: criteria provided, single submitter. Criteria: Ambry Variant Classification Scheme 2023. Collection method: clinical testing. Allele origin: germline.
Comment: The p.I1170M variant (also known as c.3510T>G), located in coding exon 9 of the BRCA1 gene, results from a T to G substitution at nucleotide position 3510. The isoleucine at codon 1170 is replaced by methionine, an amino acid with highly similar properties. This amino acid position is conserved. In addition, the in silico prediction for this alteration is inconclusive. Based on the available evidence, the clinical significance of this variant remains unclear.

Labcorp Genetics (formerly Invitae), Labcorp
Classification: Uncertain significance for Hereditary breast ovarian cancer syndrome. Last evaluated: 2023-12-22. Review status: criteria provided, single submitter. Criteria: Invitae Variant Classification Sherloc (09022015). Collection method: clinical testing. Allele origin: germline.
Comment: This sequence change replaces isoleucine, which is neutral and non-polar, with methionine, which is neutral and non-polar, at codon 1170 of the BRCA1 protein (p.Ile1170Met). This variant is not present in population databases (gnomAD no frequency). This variant has not been reported in the literature in individuals affected with BRCA1-related conditions. ClinVar contains an entry for this variant (Variation ID: 650534). Advanced modeling of protein sequence and biophysical properties (such as structural, functional, and spatial information, amino acid conservation, physicochemical variation, residue mobility, and thermodynamic stability) performed at Invitae indicates that this missense variant is not expected to disrupt BRCA1 protein function with a negative predictive value of 95%. In summary, the available evidence is currently insufficient to determine the role of this variant in disease. Therefore, it has been classified as a Variant of Uncertain Significance.

University of Washington Department of Laboratory Medicine, University of Washington
Classification: Likely benign for Hereditary cancer-predisposing syndrome. Last evaluated: 2023-03-23. Review status: criteria provided, single submitter. Criteria: Dines et al. (Genet Med. 2020). Collection method: curation. Allele origin: germline.
Comment: Missense variant in a coldspot region where missense variants are very unlikely to be pathogenic (PMID:31911673).

BRCA1 coldspot (exon 11 using historical exon numbering). Reclassification based on statistical prior probability

Color Diagnostics, LLC DBA Color Health
Classification: Uncertain significance for Hereditary cancer-predisposing syndrome. Last evaluated: 2019-05-30. Review status: criteria provided, single submitter. Criteria: ACMG Guidelines, 2015. Collection method: clinical testing. Allele origin: germline.